The following is an entry in ClinVar:

ClinVar aggregate classification (germline): Likely benign. Review status: criteria provided, multiple submitters, no conflicts (2 of 4 stars). 5 submissions from 5 submitters: Likely benign (5). Last evaluated 2025-08-26.

Conditions:
Familial thoracic aortic aneurysm and aortic dissection (TAAD). Also called: Thoracic aortic aneurysms and dissections. Identifiers: Orphanet 91387, MedGen C4707243, MONDO:0019625.
Aortic aneurysm, familial thoracic 4 (AAT4). Also called: AORTIC ANEURYSM/AORTIC DISSECTION AND PATENT DUCTUS ARTERIOSUS. Identifiers: MedGen C1851504, MONDO:0007568, OMIM 132900.

Allele frequency attached by ClinVar (database versions not stated): gnomAD exomes 0.00001 and 0.00002; ExAC 0.00002; gnomAD 0.00002; TOPMed 0.00002.
gnomAD v4.1: 20 of 1,609,348 alleles (0.0012%); highest among the groups gnomAD compares: Non-Finnish European, 0.0017%; no homozygotes.

Submissions (5):

Labcorp Genetics (formerly Invitae), Labcorp
Classification: Likely benign for Aortic aneurysm, familial thoracic 4. Last evaluated: 2025-08-26. Review status: criteria provided, single submitter. Criteria: Invitae Variant Classification Sherloc (09022015). Collection method: clinical testing. Allele origin: germline.

All of Us Research Program, National Institutes of Health
Classification: Likely benign for Familial thoracic aortic aneurysm and aortic dissection. Last evaluated: 2024-07-02. Review status: criteria provided, single submitter. Criteria: ACMG Guidelines, 2015. Collection method: clinical testing. Allele origin: germline. Inheritance: Autosomal dominant inheritance. Observed: 6 variant alleles, 6 heterozygotes.
Comment: This study involves interpretation of variants in research participants for the purpose of population health screening. Participant phenotype was not available at the time of variant classification. Additional details can be found in publication PMID: 35346344, PMCID: PMC8962531

CeGaT Center for Human Genetics Tuebingen
Classification: Likely benign. Last evaluated: 2022-05-01. Review status: criteria provided, single submitter. Criteria: Praxis fuer Humangenetik Tuebingen - Variant Classification Criteria. Collection method: clinical testing. Allele origin: germline. Affected: yes. Observed: 1 variant allele.

Ambry Genetics
Classification: Likely benign for Familial thoracic aortic aneurysm and aortic dissection. Last evaluated: 2020-03-16. Review status: criteria provided, single submitter. Criteria: Ambry Variant Classification Scheme 2023. Collection method: clinical testing. Allele origin: germline.

Color Diagnostics, LLC DBA Color Health
Classification: Likely benign for Familial thoracic aortic aneurysm and aortic dissection. Last evaluated: 2019-02-09. Review status: criteria provided, single submitter. Criteria: ACMG Guidelines, 2015. Collection method: clinical testing. Allele origin: germline.

NM_002474.3(MYH11):c.5317C>T (p.Leu1773=)

Genes: MYH11 (myosin heavy chain 11; minus strand), NDE1 (nudE neurodevelopment protein 1; plus strand). Cytogenetic location: 16p13.11.
Variant type: single nucleotide variant.
Coding change: c.5317C>T on transcript NM_002474.3 (MANE Select); coding-DNA position 5317, C replaced by T.
Protein change: p.Leu1773=; no amino-acid change (leucine 1773 retained).
Molecular consequence: synonymous variant. On other transcripts: intron variant (2).
Genome position (GRCh38, 1-based): chr16:15,717,327, G>A on the plus strand (C>T on the coding strand, the complement: MYH11 is on the minus strand). VCF-style: chr16-15717327-G-A. GRCh37 (hg19) VCF-style: chr16-15811184-G-A.
Other names: c.5338C>T, p.Leu1780= (NM_001040113.2, NM_001040114.2); c.5317C>T, p.Leu1773= (NM_022844.3); c.948-6864G>A (NM_001143979.2, NM_017668.3).
Identifiers: ClinVar variation 920971 (VCV000920971.14), dbSNP rs767453646, ClinGen allele CA7921304.